The following is an entry in ClinVar:

NM_002528.7(NTHL1):c.341G>C (p.Ser114Thr)

Gene: NTHL1 (nth like DNA glycosylase 1; minus strand). Cytogenetic location: 16p13.3.
Variant type: single nucleotide variant.
Coding change: c.341G>C on transcript NM_002528.7 (MANE Select); coding-DNA position 341, G replaced by C.
Protein change: p.Ser114Thr; replaces serine 114 with threonine.
Molecular consequence: missense variant. On other transcripts: intron variant (1).
Genome position (GRCh38, 1-based): chr16:2,046,141, C>G on the plus strand (G>C on the coding strand, the complement: NTHL1 is on the minus strand). VCF-style: chr16-2046141-C-G. GRCh37 (hg19) VCF-style: chr16-2096142-C-G.
Other names: c.341G>C, p.Ser114Thr (NM_001318193.2); c.24+139G>C (NM_001318194.2); short protein forms S114T.
Identifiers: ClinVar variation 1733671 (VCV001733671.7), dbSNP rs2548319215, ClinGen allele CA394295095.

ClinVar aggregate classification (germline): Uncertain significance. Review status: criteria provided, multiple submitters, no conflicts (2 of 4 stars). 2 submissions from 2 submitters: Uncertain significance (2). Last evaluated 2022-08-16.

Conditions:
Hereditary cancer-predisposing syndrome. Also called: Neoplastic Syndromes, Hereditary; Tumor predisposition; Hereditary Cancer Syndrome; Hereditary neoplastic syndrome. Identifiers: Orphanet 140162, MedGen C0027672, MeSH D009386, MONDO:0015356.

Submissions (2):

Labcorp Genetics (formerly Invitae), Labcorp
Classification: Uncertain significance. Last evaluated: 2022-08-16. Review status: criteria provided, single submitter. Criteria: Invitae Variant Classification Sherloc (09022015). Collection method: clinical testing. Allele origin: germline.
Comment: In summary, the available evidence is currently insufficient to determine the role of this variant in disease. Therefore, it has been classified as a Variant of Uncertain Significance. Algorithms developed to predict the effect of missense changes on protein structure and function output the following: SIFT: "Not Available"; PolyPhen-2: "Benign"; Align-GVGD: "Not Available". The threonine amino acid residue is found in multiple mammalian species, which suggests that this missense change does not adversely affect protein function. This variant has not been reported in the literature in individuals affected with NTHL1-related conditions. This variant is not present in population databases (gnomAD no frequency). This sequence change replaces serine, which is neutral and polar, with threonine, which is neutral and polar, at codon 122 of the NTHL1 protein (p.Ser122Thr).

Ambry Genetics
Classification: Uncertain significance for Hereditary cancer-predisposing syndrome. Last evaluated: 2022-03-29. Review status: criteria provided, single submitter. Criteria: Ambry Variant Classification Scheme 2023. Collection method: clinical testing. Allele origin: germline.
Comment: The p.S122T variant (also known as c.365G>C), located in coding exon 2 of the NTHL1 gene, results from a G to C substitution at nucleotide position 365. The serine at codon 122 is replaced by threonine, an amino acid with similar properties. This amino acid position is conserved. In addition, this alteration is predicted to be tolerated by in silico analysis. Since supporting evidence is limited at this time, the clinical significance of this alteration remains unclear.